The following is an entry in ClinVar:

ClinVar aggregate classification (germline): Uncertain significance (1 of 4 stars; one submission).

Conditions:
Spinocerebellar ataxia, autosomal recessive, with axonal neuropathy 2 (SCAN2). Also called: Ataxia with Oculomotor Apraxia Type 2; Ataxia-ocular apraxia-2; ATAXIA-OCULOMOTOR APRAXIA 2; Ataxia with Oculomotor Apraxia. Identifiers: Orphanet 64753, MedGen C1853761, MONDO:0018996, OMIM 606002.
Amyotrophic lateral sclerosis type 4 (ALS4). Also called: AMYOTROPHIC LATERAL SCLEROSIS 4, JUVENILE; NEURONOPATHY, DISTAL HEREDITARY MOTOR, WITH PYRAMIDAL FEATURES. Identifiers: Orphanet 357043, MedGen C1865409, MONDO:0011223, OMIM 602433.

Allele frequency attached by ClinVar (database versions not stated): gnomAD exomes below 0.00001; gnomAD 0.00001; TOPMed 0.00002.
gnomAD v4.1: 4 of 1,613,966 alleles (0.00025%); highest among the groups gnomAD compares: African/African-American, 0.004%; no homozygotes.

Submission:

Labcorp Genetics (formerly Invitae), Labcorp
Classification: Uncertain significance for Amyotrophic lateral sclerosis type 4; Spinocerebellar ataxia, autosomal recessive, with axonal neuropathy 2. Last evaluated: 2022-10-13. Review status: criteria provided, single submitter. Criteria: Invitae Variant Classification Sherloc (09022015). Collection method: clinical testing. Allele origin: germline.
Comment: In summary, the available evidence is currently insufficient to determine the role of this variant in disease. Therefore, it has been classified as a Variant of Uncertain Significance. Advanced modeling of protein sequence and biophysical properties (such as structural, functional, and spatial information, amino acid conservation, physicochemical variation, residue mobility, and thermodynamic stability) performed at Invitae indicates that this missense variant is not expected to disrupt SETX protein function. This variant has not been reported in the literature in individuals affected with SETX-related conditions. This variant is not present in population databases (gnomAD no frequency). This sequence change replaces isoleucine, which is neutral and non-polar, with valine, which is neutral and non-polar, at codon 1880 of the SETX protein (p.Ile1880Val).

NM_015046.7(SETX):c.5638A>G (p.Ile1880Val)

Gene: SETX (senataxin; minus strand). Cytogenetic location: 9q34.13.
Variant type: single nucleotide variant.
Coding change: c.5638A>G on transcript NM_015046.7 (MANE Select); coding-DNA position 5638, A replaced by G.
Protein change: p.Ile1880Val; replaces isoleucine 1880 with valine.
Molecular consequence: missense variant.
Genome position (GRCh38, 1-based): chr9:132,298,223, T>C on the plus strand (A>G on the coding strand, the complement: SETX is on the minus strand). VCF-style: chr9-132298223-T-C. GRCh37 (hg19) VCF-style: chr9-135173610-T-C.
Other names: c.5638A>G, p.Ile1880Val (NM_001351527.2, NM_001351528.2); short protein forms I1880V.
Identifiers: ClinVar variation 1988220 (VCV001988220.4), dbSNP rs1032826023, ClinGen allele CA200820083.